The following is an entry in ClinVar:

ClinVar aggregate classification (germline): Uncertain significance (1 of 4 stars; one submission).

Conditions:
Primary ciliary dyskinesia. Also called: Ciliary dyskinesia. Identifiers: Orphanet 244, MedGen C0008780, MONDO:0016575, HP:0012265.

Allele frequency attached by ClinVar (database versions not stated): gnomAD exomes below 0.00001.
gnomAD v4.1: 2 of 1,599,380 alleles (0.00013%); highest among the groups gnomAD compares: Admixed American, 0.0034%; no homozygotes.

Submission:

Labcorp Genetics (formerly Invitae), Labcorp
Classification: Uncertain significance for Primary ciliary dyskinesia. Last evaluated: 2024-10-16. Review status: criteria provided, single submitter. Criteria: Invitae Variant Classification Sherloc (09022015). Collection method: clinical testing. Allele origin: germline.
Comment: This sequence change replaces alanine, which is neutral and non-polar, with aspartic acid, which is acidic and polar, at codon 567 of the DNAI2 protein (p.Ala567Asp). The frequency data for this variant in the population databases is considered unreliable, as metrics indicate poor data quality at this position in the gnomAD database. This variant has not been reported in the literature in individuals affected with DNAI2-related conditions. ClinVar contains an entry for this variant (Variation ID: 1715586). Invitae Evidence Modeling of protein sequence and biophysical properties (such as structural, functional, and spatial information, amino acid conservation, physicochemical variation, residue mobility, and thermodynamic stability) indicates that this missense variant is not expected to disrupt DNAI2 protein function with a negative predictive value of 95%. In summary, the available evidence is currently insufficient to determine the role of this variant in disease. Therefore, it has been classified as a Variant of Uncertain Significance.

NM_023036.6(DNAI2):c.1700C>A (p.Ala567Asp)

Gene: DNAI2 (dynein axonemal intermediate chain 2; plus strand). Cytogenetic location: 17q25.1.
Variant type: single nucleotide variant.
Coding change: c.1700C>A on transcript NM_023036.6 (MANE Select); coding-DNA position 1700, C replaced by A.
Protein change: p.Ala567Asp; replaces alanine 567 with aspartic acid.
Molecular consequence: missense variant.
Genome position (GRCh38, 1-based): chr17:74,312,208, C>A. VCF-style: chr17-74312208-C-A. GRCh37 (hg19) VCF-style: chr17-72308347-C-A.
Other names: c.1664C>A, p.Ala555Asp (NM_001172810.3); c.1700C>A, p.Ala567Asp (NM_001353167.2); short protein forms A555D, A567D.
Identifiers: ClinVar variation 1715586 (VCV001715586.6), dbSNP rs1282053872, ClinGen allele CA400913923.